The following is an entry in ClinVar:

NM_032043.3(BRIP1):c.924del (p.Lys308fs)

Gene: BRIP1 (BRCA1 interacting DNA helicase 1; minus strand). Cytogenetic location: 17q23.2.
Variant type: Deletion.
Coding change: c.924del on transcript NM_032043.3 (MANE Select); coding-DNA position 924, one base deleted (A; older notation c.924delA).
Protein change: p.Lys308fs; shifts the reading frame from lysine 308.
Molecular consequence: frameshift variant.
Genome position (GRCh38, 1-based): chr17:61,801,469, T deleted on the plus strand (A on the coding strand, the reverse complement: BRIP1 is on the minus strand); the first of 4 consecutive T bases (chr17:61,801,469-61,801,472); deleting any one gives the same sequence. VCF-style (leftmost placement, unchanged base first): chr17-61801468-AT-A. GRCh37 (hg19) VCF-style: chr17-59878829-AT-A.
Other names: short protein forms K308fs.
Identifiers: ClinVar variation 927009 (VCV000927009.3), dbSNP rs2077993866, ClinGen allele CA913187834.

ClinVar aggregate classification (germline): Pathogenic (1 of 4 stars; one submission).

Conditions:
Hereditary cancer-predisposing syndrome. Also called: Neoplastic Syndromes, Hereditary; Tumor predisposition; Hereditary Cancer Syndrome; Hereditary neoplastic syndrome. Identifiers: Orphanet 140162, MedGen C0027672, MeSH D009386, MONDO:0015356.

Submission:

Color Diagnostics, LLC DBA Color Health
Classification: Pathogenic for Hereditary cancer-predisposing syndrome. Last evaluated: 2020-01-15. Review status: criteria provided, single submitter. Criteria: ACMG Guidelines, 2015. Collection method: clinical testing. Allele origin: germline.
Comment: This variant deletes 1 nucleotide in exon 8 of the BRIP1 gene, creating a frameshift and premature translation stop signal. This variant is expected to result in an absent or non-functional protein product. This variant has not been identified in the general population by the Genome Aggregation Database (gnomAD). Loss of BRIP1 function is a known mechanism of disease. Based on the available evidence, this variant is classified as Pathogenic.